The following is an entry in ClinVar:

NM_144670.6(A2ML1):c.186C>T (p.Thr62=)

Genes: A2ML1 (alpha-2-macroglobulin like 1; plus strand), A2ML1-AS1 (A2ML1 antisense RNA 1; minus strand). Cytogenetic location: 12p13.31.
Variant type: single nucleotide variant.
Coding change: c.186C>T on transcript NM_144670.6 (MANE Select); coding-DNA position 186, C replaced by T.
Protein change: p.Thr62=; no amino-acid change (threonine 62 retained).
Molecular consequence: synonymous variant.
Genome position (GRCh38, 1-based): chr12:8,823,305, C>T. VCF-style: chr12-8823305-C-T. GRCh37 (hg19) VCF-style: chr12-8975901-C-T.
Identifiers: ClinVar variation 384687 (VCV000384687.16), dbSNP rs17792974, ClinGen allele CA6435187.

ClinVar aggregate classification (germline): Benign/Likely benign. Review status: criteria provided, multiple submitters, no conflicts (2 of 4 stars). 7 submissions from 7 submitters: Benign (4); Likely benign (1). 2 of the submissions do not count toward it. Last evaluated 2026-02-03.

Allele frequency attached by ClinVar (database versions not stated): ESP Exome Variant Server 0.04552; gnomAD 0.04826 and 0.05660; TOPMed 0.05378; gnomAD exomes 0.06048 and 0.08786; ExAC 0.08918; 1000 Genomes Project 30x 0.12508; 1000 Genomes Project 0.13019.
gnomAD v4.1: 97,636 of 1,613,902 alleles (6%); highest among the groups gnomAD compares: South Asian, 24%; 5,225 homozygotes.

Submissions (7):

Labcorp Genetics (formerly Invitae), Labcorp
Classification: Benign. Last evaluated: 2026-02-03. Review status: criteria provided, single submitter. Criteria: Invitae Variant Classification Sherloc (09022015). Collection method: clinical testing. Allele origin: germline.

Blueprint Genetics
Classification: Likely benign. Last evaluated: 2024-11-27. Review status: criteria provided, single submitter. Criteria: ACMG Guidelines, 2015. Collection method: clinical testing. Allele origin: germline.

Women's Health and Genetics/Laboratory Corporation of America, LabCorp
Classification: Benign. Last evaluated: 2017-07-06. Review status: criteria provided, single submitter. Criteria: LabCorp Variant Classification Summary - May 2015. Collection method: clinical testing. Allele origin: germline.
Comment: Variant summary: The A2ML1 c.186C>T (p.Thr62Thr) variant involves the alteration of a non-conserved nucleotide, resulting in a synonymous change. One in silico tool predicts a polymorphism outcome for this variant. 5/5 splice prediction tools predict no significant impact on normal splicing. ESE finder predicts that this variant may affect binding of multiple ESE sites. However, these predictions have yet to be confirmed by functional studies. This variant was found in 10767/120732 control chromosomes (858 homozygotes) from ExAC at a frequency of 0.089181, which is approximately 22295 times the estimated maximal expected allele frequency of a pathogenic A2ML1 variant (0.000004), thus this variant is a common benign polymorphism. It has also been published as a benign SNP in literature (Justino_2014/2015). In addition, one clinical diagnostic laboratory (via ClinVar) has classified this variant as benign. Taken together, this variant is classified as benign.

GeneDx
Classification: Benign. Last evaluated: 2016-09-28. Review status: criteria provided, single submitter. Criteria: GeneDx Variant Classification (06012015). Collection method: clinical testing. Allele origin: germline. Affected: yes.
Comment: This variant is considered likely benign or benign based on one or more of the following criteria: it is a conservative change, it occurs at a poorly conserved position in the protein, it is predicted to be benign by multiple in silico algorithms, and/or has population frequency not consistent with disease.

Breakthrough Genomics
Classification: Benign. Review status: criteria provided, single submitter. Criteria: ACMG Guidelines, 2015. Collection method: not provided. Allele origin: germline. Inheritance: Autosomal dominant inheritance. Affected: yes.

Clinical Genetics, Academic Medical Center
Classification: Benign. Review status: no assertion criteria provided. Collection method: clinical testing. Allele origin: germline. Affected: yes. Study: VKGL Data-share Consensus. Not counted in ClinVar's aggregate classification.

Joint Genome Diagnostic Labs from Nijmegen and Maastricht, Radboudumc and MUMC+
Classification: Benign. Review status: no assertion criteria provided. Collection method: clinical testing. Allele origin: germline. Affected: yes. Study: VKGL Data-share Consensus. Not counted in ClinVar's aggregate classification.

Literature cited by the submitters: PubMed 24896146 (cited by Women's Health and Genetics/Laboratory Corporation of America, LabCorp).